The following is an entry in ClinVar:

NM_000073.3(CD3G):c.152A>G (p.Lys51Arg)

Genes: CD3G (CD3 gamma subunit of T-cell receptor complex; plus strand), LOC126861358 (BRD4-independent group 4 enhancer GRCh37_chr11:118220212-118221411; plus strand). Cytogenetic location: 11q23.3.
Variant type: single nucleotide variant.
Coding change: c.152A>G on transcript NM_000073.3 (MANE Select); coding-DNA position 152, A replaced by G.
Protein change: p.Lys51Arg; replaces lysine 51 with arginine.
Molecular consequence: missense variant.
Genome position (GRCh38, 1-based): chr11:118,349,815, A>G. VCF-style: chr11-118349815-A-G. GRCh37 (hg19) VCF-style: chr11-118220530-A-G.
Other names: short protein forms K51R.
Identifiers: ClinVar variation 1053355 (VCV001053355.4), dbSNP rs145778395, ClinGen allele CA6302117.

ClinVar aggregate classification (germline): Uncertain significance (1 of 4 stars; one submission).

Conditions:
Combined immunodeficiency due to CD3gamma deficiency. Also called: CD3-GAMMA DEFICIENCY; SCID-LIKE IMMUNODEFICIENCY, T CELL-PARTIAL, B CELL-POSITIVE, NK CELL-POSITIVE; Immunodeficiency 17; Immunodeficiency 17, CD3 gamma deficient. Identifiers: Orphanet 169082, MedGen C3810107, MONDO:0014276, OMIM 615607.

Allele frequency attached by ClinVar (database versions not stated): gnomAD exomes 0.00007; gnomAD 0.00009; ESP Exome Variant Server 0.00015; 1000 Genomes Project 0.00020; ExAC 0.00007; TOPMed 0.00011; 1000 Genomes Project 30x 0.00031.
gnomAD v4.1: 105 of 1,614,184 alleles (0.0065%); highest among the groups gnomAD compares: Admixed American, 0.033%; 1 homozygote.

Submission:

Labcorp Genetics (formerly Invitae), Labcorp
Classification: Uncertain significance for Combined immunodeficiency due to CD3gamma deficiency. Last evaluated: 2022-02-28. Review status: criteria provided, single submitter. Criteria: Invitae Variant Classification Sherloc (09022015). Collection method: clinical testing. Allele origin: germline.
Comment: This sequence change replaces lysine, which is basic and polar, with arginine, which is basic and polar, at codon 51 of the CD3G protein (p.Lys51Arg). This variant is present in population databases (rs145778395, gnomAD 0.01%). This variant has not been reported in the literature in individuals affected with CD3G-related conditions. ClinVar contains an entry for this variant (Variation ID: 1053355). Algorithms developed to predict the effect of missense changes on protein structure and function (SIFT, PolyPhen-2, Align-GVGD) all suggest that this variant is likely to be tolerated. In summary, the available evidence is currently insufficient to determine the role of this variant in disease. Therefore, it has been classified as a Variant of Uncertain Significance.